The following is an entry in ClinVar:

ClinVar aggregate classification (germline): Conflicting classifications of pathogenicity. Review status: criteria provided, conflicting classifications (1 of 4 stars). 12 submissions from 12 submitters: Uncertain significance (9); Benign (1); Likely benign (1). 1 of the submissions does not count toward it. Last evaluated 2026-01-21.

Conditions:
DIS3L2-related disorder. Also called: DIS3L2-related condition.
Perlman syndrome (PRLMNS). Identifiers: Orphanet 2849, MedGen C0796113, MONDO:0009965, OMIM 267000.

Allele frequency attached by ClinVar (database versions not stated): 1000 Genomes Project 0.00060; gnomAD 0.00073 and 0.00084; 1000 Genomes Project 30x 0.00078; TOPMed 0.00093; ESP Exome Variant Server 0.00107.
gnomAD v4.1: 1,848 of 1,614,146 alleles (0.11%); highest among the groups gnomAD compares: Non-Finnish European, 0.14%; 2 homozygotes.

Submissions (12):

Labcorp Genetics (formerly Invitae), Labcorp
Classification: Benign for Perlman syndrome. Last evaluated: 2026-01-21. Review status: criteria provided, single submitter. Criteria: Invitae Variant Classification Sherloc (09022015). Collection method: clinical testing. Allele origin: germline.

CeGaT Center for Human Genetics Tuebingen
Classification: Likely benign. Last evaluated: 2025-09-01. Review status: criteria provided, single submitter. Criteria: CeGaT Center For Human Genetics Tuebingen Variant Classification Criteria Version 2. Collection method: clinical testing. Allele origin: germline. Affected: yes. Observed: 8 variant alleles.
Comment: DIS3L2: BP4

GeneDx
Classification: Uncertain significance. Last evaluated: 2025-01-22. Review status: criteria provided, single submitter. Criteria: GeneDx Variant Classification Process June 2021. Collection method: clinical testing. Allele origin: germline. Affected: yes.
Comment: Reported in sporadic Wilms tumors, but it is unknown whether this variant is somatic or germline (PMID: 22306653); In silico analysis supports that this missense variant has a deleterious effect on protein structure/function; This variant is associated with the following publications: (PMID: 23613427, 24909261, 34130653, 34628056, 33332384, 30256826, 31942411, 35957908, 22306653)

St. Jude Molecular Pathology, St. Jude Children's Research Hospital
Classification: Uncertain significance for Perlman syndrome. Last evaluated: 2024-08-28. Review status: criteria provided, single submitter. Criteria: St. Jude Assertion Criteria 2020. Collection method: clinical testing. Allele origin: germline.
Comment: The DIS3L2 c.1447C>G (p.Arg483Gly) missense variant has a maximum subpopulation frequency of 0.13% in gnomAD v2.1.1. This variant has been reported in the literature in individuals with pediatric anaplastic lymphoma, oligopolyposis, and breast cancer (PMID: 33332384, 31942411, 34130653). The in silico tool REVEL is inconclusive about a pathogenic or benign effect of this variant on protein function. In summary, the evidence currently available is insufficient to determine the clinical significance of this variant. It has therefore been classified as of uncertain significance.

Revvity Omics, Revvity
Classification: Uncertain significance for Perlman syndrome. Last evaluated: 2022-05-12. Review status: criteria provided, single submitter. Criteria: ACMG Guidelines, 2015. Collection method: clinical testing. Allele origin: germline.

Sema4
Classification: Uncertain significance for Perlman syndrome. Last evaluated: 2022-03-10. Review status: criteria provided, single submitter. Criteria: Sema4 Curation Guidelines. Collection method: curation. Allele origin: germline.
Comment: The DIS3L2 c.1447C>G (p.R483G) variant has been reported in individuals with pediatric anaplastic lymphoma, oligopolyposis and breast cancer (PMID: 33332384, 31942411, 34130653). Functional studies have shown that this variant impairs the suppression of anchorage-independent cell growth when expressed in HEK293 cells (PMID: 22306653). It was observed in 20/10354 chromosomes of the Ashkenazi Jewish subpopulation, including no homozygotes, in the large and broad cohorts of the Genome Aggregation Database (PMID: 32461654). The variant has been reported in ClinVar (Variation ID 241961). In silico tools suggest the impact of the variant on protein function is inconclusive. The evidence is insufficient to meet ACMG/AMP criteria for classifying the variant as benign or pathogenic. Thus, the clinical significance of this variant is currently uncertain.

Institute for Clinical Genetics, University Hospital TU Dresden, University Hospital TU Dresden
Classification: Uncertain significance. Last evaluated: 2021-11-03. Review status: criteria provided, single submitter. Criteria: ACMG Guidelines, 2015. Collection method: clinical testing. Allele origin: germline.

Department of Pathology and Laboratory Medicine, Sinai Health System
Classification: Uncertain significance for Perlman syndrome. Last evaluated: 2021-07-30. Review status: criteria provided, single submitter. Criteria: ACMG Guidelines, 2015. Collection method: research. Allele origin: germline.

Victorian Clinical Genetics Services, Murdoch Childrens Research Institute
Classification: Uncertain significance for Perlman syndrome. Last evaluated: 2020-05-01. Review status: criteria provided, single submitter. Criteria: ACMG Guidelines, 2015. Collection method: clinical testing. Allele origin: germline. Inheritance: Autosomal recessive inheritance. Affected: yes.
Comment: Based on the classification scheme VCGS_Germline_v1.1.1, this variant is classified as 3C-VUS. Following criteria are met: 0102 - Loss-of-function is a known mechanism of disease for this gene. (N) 0106 - This gene is known to be associated with autosomal recessive disease. (N) 0200 - Variant is predicted to result in a missense amino acid change from arginine to glycine (exon 13). (N) 0251 - Variant is heterozygous. (N) 0304 - Variant is present in gnomAD <0.01 for a recessive condition (210 Heterozygous, 0 Homozygous). (P) 0309 - Multiple alternative amino acid changes at the same position has been observed in gnomAD (highest allele count: 3631 Heterozygous, 66 Homozygous). (N) 0502 - Missense variant with conflicting in silico predictions with low conservation. (N) 0600 - Variant is located in the RNB domain (NCBI conserved domain). (N) 0710 - Comparable variants have some previous evidence for being benign (ClinVar). (B) 0804 - Variant has previously been described as variant of uncertain significance in two independent cases with consistent phenotype (ClinVar). (N) 0905 - No segregation evidence has been identified for this variant. (N) 1007 - No published functional evidence has been identified for this variant in the literature. (N) 1208 - Inheritance information for this variant is not currently available. (N) Legend: (P) - Pathogenic, (N) - Neutral, (B) - Benign

Fulgent Genetics
Classification: Uncertain significance for Perlman syndrome. Last evaluated: 2018-10-31. Review status: criteria provided, single submitter. Criteria: ACMG Guidelines, 2015. Collection method: clinical testing. Allele origin: unknown.

Illumina Laboratory Services, Illumina
Classification: Uncertain significance for Perlman syndrome. Last evaluated: 2017-04-27. Review status: criteria provided, single submitter. Criteria: ICSL Variant Classification Criteria 13 December 2019. Collection method: clinical testing. Allele origin: germline.
Comment: This variant was observed as part of a predisposition screen in an ostensibly healthy population. A literature search was performed for the gene, cDNA change, and amino acid change (where applicable). Publications were found based on this search. However, the evidence from the literature, in combination with allele frequency data from public databases where available, was not sufficient to rule this variant in or out of causing disease. Therefore, this variant is classified as a variant of unknown significance.

PreventionGenetics, part of Exact Sciences
Classification: Likely benign for DIS3L2-related condition. Last evaluated: 2022-03-18. Review status: no assertion criteria provided. Collection method: clinical testing. Allele origin: germline. Not counted in ClinVar's aggregate classification.
Comment: This variant is classified as likely benign based on ACMG/AMP sequence variant interpretation guidelines (Richards et al. 2015 PMID: 25741868, with internal and published modifications).

Literature cited by the submitters: PubMed 33332384 (cited by Sema4); PubMed 31942411 (cited by Sema4); PubMed 34130653 (cited by Sema4); PubMed 22306653 (cited by Sema4); PubMed 23613427 (cited by Illumina Laboratory Services, Illumina); PubMed 23576526 (cited by Illumina Laboratory Services, Illumina).

NM_152383.5(DIS3L2):c.1447C>G (p.Arg483Gly)

Gene: DIS3L2 (DIS3 like 3'-5' exoribonuclease 2; plus strand). Cytogenetic location: 2q37.1.
Variant type: single nucleotide variant.
Coding change: c.1447C>G on transcript NM_152383.5 (MANE Select); coding-DNA position 1447, C replaced by G.
Protein change: p.Arg483Gly; replaces arginine 483 with glycine.
Molecular consequence: missense variant. On other transcripts: non-coding transcript variant (2).
Genome position (GRCh38, 1-based): chr2:232,263,228, C>G. VCF-style: chr2-232263228-C-G. GRCh37 (hg19) VCF-style: chr2-233127938-C-G.
Other names: c.1447C>G, p.Arg483Gly (NM_001257281.2); short protein forms R483G.
Identifiers: ClinVar variation 241961 (VCV000241961.52), dbSNP rs186865544, ClinGen allele CA2164160.